The following is an entry in ClinVar:

ClinVar aggregate classification (germline): Uncertain significance (1 of 4 stars; one submission).

Submission:

Labcorp Genetics (formerly Invitae), Labcorp
Classification: Uncertain significance. Last evaluated: 2025-08-17. Review status: criteria provided, single submitter. Criteria: Invitae Variant Classification Sherloc (09022015). Collection method: clinical testing. Allele origin: germline.
Comment: This sequence change replaces alanine, which is neutral and non-polar, with threonine, which is neutral and polar, at codon 341 of the IRF2BP2 protein (p.Ala341Thr). This variant is not present in population databases (gnomAD no frequency). This variant has not been reported in the literature in individuals affected with IRF2BP2-related conditions. ClinVar contains an entry for this variant (Variation ID: 1472782). An algorithm developed to predict the effect of missense changes on protein structure and function (PolyPhen-2) suggests that this variant is likely to be disruptive. In summary, the available evidence is currently insufficient to determine the role of this variant in disease. Therefore, it has been classified as a Variant of Uncertain Significance.

NM_182972.3(IRF2BP2):c.1021G>A (p.Ala341Thr)

Genes: IRF2BP2 (interferon regulatory factor 2 binding protein 2; minus strand), LOC129932810 (ATAC-STARR-seq lymphoblastoid active region 2760; plus strand). Cytogenetic location: 1q42.3.
Variant type: single nucleotide variant.
Coding change: c.1021G>A on transcript NM_182972.3 (MANE Select); coding-DNA position 1021, G replaced by A.
Protein change: p.Ala341Thr; replaces alanine 341 with threonine.
Molecular consequence: missense variant. On other transcripts: intron variant (1).
Genome position (GRCh38, 1-based): chr1:234,608,474, C>T on the plus strand (G>A on the coding strand, the complement: IRF2BP2 is on the minus strand). VCF-style: chr1-234608474-C-T. GRCh37 (hg19) VCF-style: chr1-234744220-C-T.
Other names: c.1000+21G>A (NM_001077397.1); short protein forms A341T.
Identifiers: ClinVar variation 1472782 (VCV001472782.6), dbSNP rs2102769181, ClinGen allele CA345307232.
Genomic context (GRCh38, chr1:234,608,474, plus strand): 5'-CCCTAGACCCCCTCACTTCACAGCCGCCCCTACCTGCTTTAGACCCGTTGGCCCCGTTGG[C>T]CTCGAAACCCAACAACCTGCCTGCAGTCAGGGCCGGCTCCTTCTTAAACTTGCTCTCGAA-3'
Protein context (NP_892017.2, residues 331-351): LTAGRLLGFE[Ala341Thr]NGANGSKAVA